The following is an entry in ClinVar:

ClinVar aggregate classification (germline): Likely benign (0 of 4 stars; one submission).

Conditions:
DNAH17-related disorder. Also called: DNAH17-related condition.

Allele frequency attached by ClinVar (database versions not stated): gnomAD exomes 0.00001; ExAC 0.00006; gnomAD 0.00009; TOPMed 0.00010; 1000 Genomes Project 30x 0.00016; 1000 Genomes Project 0.00020; ESP Exome Variant Server 0.00023.
gnomAD v4.1: 42 of 1,613,970 alleles (0.0026%); highest among the groups gnomAD compares: African/African-American, 0.037%; no homozygotes.

Submission:

PreventionGenetics, part of Exact Sciences
Classification: Likely benign for DNAH17-related condition. Last evaluated: 2023-07-16. Review status: no assertion criteria provided. Collection method: clinical testing. Allele origin: germline.
Comment: This variant is classified as likely benign based on ACMG/AMP sequence variant interpretation guidelines (Richards et al. 2015 PMID: 25741868, with internal and published modifications).

NM_173628.4(DNAH17):c.13065G>A (p.Glu4355=)

Gene: DNAH17 (dynein axonemal heavy chain 17; minus strand). Cytogenetic location: 17q25.3.
Variant type: single nucleotide variant.
Coding change: c.13065G>A on transcript NM_173628.4 (MANE Select); coding-DNA position 13065, G replaced by A.
Protein change: p.Glu4355=; no amino-acid change (glutamic acid 4355 retained).
Molecular consequence: synonymous variant.
Genome position (GRCh38, 1-based): chr17:78,425,422, C>T on the plus strand (G>A on the coding strand, the complement: DNAH17 is on the minus strand). VCF-style: chr17-78425422-C-T. GRCh37 (hg19) VCF-style: chr17-76421503-C-T.
Identifiers: ClinVar variation 3046448 (VCV003046448.2), dbSNP rs147179134, ClinGen allele CA8799667.